The following is an entry in ClinVar:

ClinVar aggregate classification (germline): Uncertain significance (1 of 4 stars; one submission).

Conditions:
Hereditary cancer-predisposing syndrome. Also called: Tumor predisposition; Neoplastic Syndromes, Hereditary; Hereditary neoplastic syndrome; Hereditary Cancer Syndrome. Identifiers: Orphanet 140162, MedGen C0027672, MeSH D009386, MONDO:0015356.

Submission:

Ambry Genetics
Classification: Uncertain significance for Hereditary cancer-predisposing syndrome. Last evaluated: 2017-06-08. Review status: criteria provided, single submitter. Criteria: Ambry Variant Classification Scheme 2023. Collection method: clinical testing. Allele origin: germline.
Comment: The p.D1298E variant (also known as c.3894C>A), located in coding exon 27 of the SMARCA4 gene, results from a C to A substitution at nucleotide position 3894. The aspartic acid at codon 1298 is replaced by glutamic acid, an amino acid with highly similar properties. This amino acid position is highly conserved in available vertebrate species. In addition, the in silico prediction for this alteration is inconclusive. Since supporting evidence is limited at this time, the clinical significance of this alteration remains unclear.

NM_003072.5(SMARCA4):c.3894C>A (p.Asp1298Glu)

Gene: SMARCA4 (SWI/SNF related BAF chromatin remodeling complex subunit ATPase 4; plus strand). Cytogenetic location: 19p13.2.
Variant type: single nucleotide variant.
Coding change: c.3894C>A on transcript NM_003072.5 (MANE Select); coding-DNA position 3894, C replaced by A.
Protein change: p.Asp1298Glu; replaces aspartic acid 1298 with glutamic acid.
Molecular consequence: missense variant. On other transcripts: non-coding transcript variant (1).
Genome position (GRCh38, 1-based): chr19:11,034,143, C>A. VCF-style: chr19-11034143-C-A. GRCh37 (hg19) VCF-style: chr19-11144819-C-A.
Other names: c.3894C>A, p.Asp1298Glu (NM_001128844.3, NM_001128849.3, NM_001387283.1); c.3795C>A, p.Asp1265Glu (NM_001128845.2, NM_001128846.2, NM_001128847.4 and 2 more transcripts); short protein forms D1298E, D1265E.
Identifiers: ClinVar variation 588796 (VCV000588796.5), dbSNP rs373041389, ClinGen allele CA404067813.